The following is an entry in ClinVar:

ClinVar aggregate classification (germline): Likely benign. Review status: criteria provided, multiple submitters, no conflicts (2 of 4 stars). 4 submissions from 4 submitters: Likely benign (4). Last evaluated 2024-11-09.

Conditions:
DPYD-related disorder. Also called: DPYD-related condition.
Inborn genetic diseases. Identifiers: MedGen C0950123, MeSH D030342.
Dihydropyrimidine dehydrogenase deficiency (DPYDD). Also called: DPD DEFICIENCY; DPYD DEFICIENCY; Hereditary Thymine-Uraciluria. Identifiers: Orphanet 1675, MedGen C1959620, MONDO:0010130, OMIM 274270.

Allele frequency attached by ClinVar (database versions not stated): ESP Exome Variant Server 0.00085; gnomAD 0.00054 and 0.00058; TOPMed 0.00068; 1000 Genomes Project 30x 0.00078; 1000 Genomes Project 0.00080.
gnomAD v4.1: 165 of 1,612,830 alleles (0.01%); highest among the groups gnomAD compares: African/African-American, 0.2%; no homozygotes.

Submissions (4):

PreventionGenetics, part of Exact Sciences
Classification: Likely benign for DPYD-related condition. Last evaluated: 2024-11-09. Review status: criteria provided, single submitter. Criteria: ACMG Guidelines, 2015. Collection method: clinical testing. Allele origin: germline.
Comment: This variant is classified as likely benign based on ACMG/AMP sequence variant interpretation guidelines (Richards et al. 2015 PMID: 25741868, with internal and published modifications).

Genome-Nilou Lab
Classification: Likely benign for Dihydropyrimidine dehydrogenase deficiency. Last evaluated: 2023-04-11. Review status: criteria provided, single submitter. Criteria: ACMG Guidelines, 2015. Collection method: clinical testing. Allele origin: germline. Affected: no.

Ambry Genetics
Classification: Likely benign for Inborn genetic diseases. Last evaluated: 2022-06-22. Review status: criteria provided, single submitter. Criteria: Ambry Variant Classification Scheme 2023. Collection method: clinical testing. Allele origin: germline.

Labcorp Genetics (formerly Invitae), Labcorp
Classification: Likely benign. Last evaluated: 2018-03-30. Review status: criteria provided, single submitter. Criteria: Invitae Variant Classification Sherloc (09022015). Collection method: clinical testing. Allele origin: germline.

NM_000110.4(DPYD):c.1701A>T (p.Gly567=)

Gene: DPYD (dihydropyrimidine dehydrogenase; minus strand). Cytogenetic location: 1p21.3.
Variant type: single nucleotide variant.
Coding change: c.1701A>T on transcript NM_000110.4 (MANE Select); coding-DNA position 1701, A replaced by T.
Protein change: p.Gly567=; no amino-acid change (glycine 567 retained).
Molecular consequence: synonymous variant.
Genome position (GRCh38, 1-based): chr1:97,515,765, T>A on the plus strand (A>T on the coding strand, the complement: DPYD is on the minus strand). VCF-style: chr1-97515765-T-A. GRCh37 (hg19) VCF-style: chr1-97981321-T-A.
Identifiers: ClinVar variation 738289 (VCV000738289.7), dbSNP rs148372305, ClinGen allele CA963269.